The following is an entry in ClinVar:

ClinVar aggregate classification (germline): Uncertain significance. Review status: criteria provided, multiple submitters, no conflicts (2 of 4 stars). 2 submissions from 2 submitters: Uncertain significance (2). Last evaluated 2025-01-08.

Conditions:
Myopathy, proximal, and ophthalmoplegia (CMYO6). Also called: CONGENITAL MYOPATHY 6 WITH OPHTHALMOPLEGIA; MYOPATHY WITH CONGENITAL JOINT CONTRACTURES, OPHTHALMOPLEGIA, AND RIMMED VACUOLES; INCLUSION BODY MYOPATHY 3, AUTOSOMAL DOMINANT. Identifiers: Orphanet 363677, Orphanet 79091, MedGen C1854106, MONDO:0011577, OMIM 605637.
Inborn genetic diseases. Identifiers: MedGen C0950123, MeSH D030342.

Allele frequency attached by ClinVar (database versions not stated): gnomAD exomes below 0.00001 and 0.00001; gnomAD 0.00002; TOPMed 0.00002.
gnomAD v4.1: 9 of 1,613,842 alleles (0.00056%); highest among the groups gnomAD compares: African/African-American, 0.0093%; no homozygotes.

Submissions (2):

Ambry Genetics
Classification: Uncertain significance for Inborn genetic diseases. Last evaluated: 2025-01-08. Review status: criteria provided, single submitter. Criteria: Ambry Variant Classification Scheme 2023. Collection method: clinical testing. Allele origin: germline.

Labcorp Genetics (formerly Invitae), Labcorp
Classification: Uncertain significance for Myopathy, proximal, and ophthalmoplegia. Last evaluated: 2024-11-02. Review status: criteria provided, single submitter. Criteria: Invitae Variant Classification Sherloc (09022015). Collection method: clinical testing. Allele origin: germline.
Comment: This sequence change replaces lysine, which is basic and polar, with arginine, which is basic and polar, at codon 972 of the MYH2 protein (p.Lys972Arg). This variant is present in population databases (no rsID available, gnomAD 0.006%). This variant has not been reported in the literature in individuals affected with MYH2-related conditions. ClinVar contains an entry for this variant (Variation ID: 1405727). Invitae Evidence Modeling of protein sequence and biophysical properties (such as structural, functional, and spatial information, amino acid conservation, physicochemical variation, residue mobility, and thermodynamic stability) has been performed for this missense variant. However, the output from this modeling did not meet the statistical confidence thresholds required to predict the impact of this variant on MYH2 protein function. In summary, the available evidence is currently insufficient to determine the role of this variant in disease. Therefore, it has been classified as a Variant of Uncertain Significance.

NM_017534.6(MYH2):c.2915A>G (p.Lys972Arg)

Genes: MYHAS (myosin heavy chain gene cluster antisense RNA; plus strand), MYH2 (myosin heavy chain 2; minus strand). Cytogenetic location: 17p13.1.
Variant type: single nucleotide variant.
Coding change: c.2915A>G on transcript NM_017534.6 (MANE Select); coding-DNA position 2915, A replaced by G.
Protein change: p.Lys972Arg; replaces lysine 972 with arginine.
Molecular consequence: missense variant.
Genome position (GRCh38, 1-based): chr17:10,529,857, T>C on the plus strand (A>G on the coding strand, the complement: MYH2 is on the minus strand). VCF-style: chr17-10529857-T-C. GRCh37 (hg19) VCF-style: chr17-10433174-T-C.
Other names: c.2915A>G (NM_017534.5); c.2915A>G, p.Lys972Arg (NM_001100112.2); short protein forms K972R.
Identifiers: ClinVar variation 1405727 (VCV001405727.12), dbSNP rs1386070071, ClinGen allele CA398141275.
Genomic context (GRCh38, chr17:10,529,857, plus strand): 5'-AACCTCTATACAGTACTGTAGAATATGATTGATACCTTGTTTTCTGTGGCATGTTTCTCC[T>C]TCTCAACCTTGGCCAGTGTCAGCTCAAGGTCATCAATGTCTTTCTTGAGTTCTGAACATT-3'
Protein context (NP_060004.3, residues 962-982): DLELTLAKVE[Lys972Arg]EKHATENKVK